The following is an entry in ClinVar:

NM_001128205.2(SULF1):c.1930G>A (p.Ala644Thr)

Gene: SULF1 (sulfatase 1; plus strand). Cytogenetic location: 8q13.3.
Variant type: single nucleotide variant.
Coding change: c.1930G>A on transcript NM_001128205.2 (MANE Select); coding-DNA position 1930, G replaced by A.
Protein change: p.Ala644Thr; replaces alanine 644 with threonine.
Molecular consequence: missense variant. On other transcripts: non-coding transcript variant (3).
Genome position (GRCh38, 1-based): chr8:69,627,289, G>A. VCF-style: chr8-69627289-G-A. GRCh37 (hg19) VCF-style: chr8-70539524-G-A.
Other names: c.1930G>A, p.Ala644Thr (NM_001128204.2, NM_001128206.2, NM_015170.3); short protein forms A644T.
Identifiers: ClinVar variation 1392870 (VCV001392870.8), dbSNP rs768352394, ClinGen allele CA4776006.
Genomic context (GRCh38, chr8:69,627,289, plus strand): 5'-GACTCTATCCATTGTGAGAGAGAACTGTACCAATCGGCCAGAGCGTGGAAGGACCATAAG[G>A]CATACATTGACAAAGAGGTTAGCCATGGCTATGTGACTGTCAGATATATTCCAAACTCAA-3'
Protein context (NP_001121677.1, residues 634-654): QSARAWKDHK[Ala644Thr]YIDKEIEALQ

ClinVar aggregate classification (germline): Uncertain significance (1 of 4 stars; one submission).

Allele frequency attached by ClinVar (database versions not stated): TOPMed below 0.00001; ExAC 0.00001; gnomAD exomes 0.00001 and 0.00002.
gnomAD v4.1: 5 of 1,613,882 alleles (0.00031%); highest among the groups gnomAD compares: Admixed American, 0.005%; no homozygotes.

Submission:

Labcorp Genetics (formerly Invitae), Labcorp
Classification: Uncertain significance. Last evaluated: 2025-11-10. Review status: criteria provided, single submitter. Criteria: Invitae Variant Classification Sherloc (09022015). Collection method: clinical testing. Allele origin: germline.
Comment: This sequence change replaces alanine, which is neutral and non-polar, with threonine, which is neutral and polar, at codon 644 of the SULF1 protein (p.Ala644Thr). This variant is present in population databases (rs768352394, gnomAD 0.01%). This variant has not been reported in the literature in individuals affected with SULF1-related conditions. ClinVar contains an entry for this variant (Variation ID: 1392870). An algorithm developed to predict the effect of missense changes on protein structure and function (PolyPhen-2) suggests that this variant is likely to be tolerated. In summary, the available evidence is currently insufficient to determine the role of this variant in disease. Therefore, it has been classified as a Variant of Uncertain Significance.